The following is an entry in ClinVar:

NM_001352514.2(HLCS):c.2081T>G (p.Val694Gly)

Gene: HLCS (holocarboxylase synthetase; minus strand). Cytogenetic location: 21q22.13.
Variant type: single nucleotide variant.
Coding change: c.2081T>G on transcript NM_001352514.2 (MANE Select); coding-DNA position 2081, T replaced by G.
Protein change: p.Val694Gly; replaces valine 694 with glycine.
Molecular consequence: missense variant. On other transcripts: non-coding transcript variant (2).
Genome position (GRCh38, 1-based): chr21:36,765,052, A>C on the plus strand (T>G on the coding strand, the complement: HLCS is on the minus strand). VCF-style: chr21-36765052-A-C. GRCh37 (hg19) VCF-style: chr21-38137353-A-C.
Other names: c.1640T>G, p.Val547Gly (NM_000411.8, NM_001242784.3, NM_001242785.2 and 4 more transcripts); short protein forms V547G, V694G.
Identifiers: ClinVar variation 4818326 (VCV004818326.1).

ClinVar aggregate classification (germline): Likely pathogenic (1 of 4 stars; one submission).

Conditions:
Holocarboxylase synthetase deficiency. Also called: MULTIPLE CARBOXYLASE DEFICIENCY, EARLY ONSET. Identifiers: Orphanet 79242, MedGen C0268581, MONDO:0009666, OMIM 253270.

Submission:

Natera, Inc.
Classification: Likely pathogenic for Holocarboxylase synthetase deficiency. Last evaluated: 2025-08-27. Review status: criteria provided, single submitter. Criteria: Natera Variant Classification Schema (03/2026). Collection method: clinical testing. Allele origin: germline.
Comment: The c.1640T>G variant in HLCS is a missense variant predicted to cause substitution of valine to glycine at amino acid 547. This variant is rare in the general population with a frequency below the threshold expected for the associated phenotype(s). This variant has been observed in one or more individuals affected with the associated recessive disease, as either homozygous or compound heterozygous with a second variant (PMID: 11735028). Functional studies show that this variant may disrupt protein function (PMID: 11735028). Computational prediction algorithms indicate this variant is likely to affect gene or protein function. Given the available evidence, this variant is classified as Likely Pathogenic.

Literature cited by the submitters: PubMed 11735028.